The following is an entry in ClinVar:

NM_004385.5(VCAN):c.1704G>C (p.Glu568Asp)

Gene: VCAN (versican; plus strand). Cytogenetic location: 5q14.3.
Variant type: single nucleotide variant.
Coding change: c.1704G>C on transcript NM_004385.5 (MANE Select); coding-DNA position 1704, G replaced by C.
Protein change: p.Glu568Asp; replaces glutamic acid 568 with aspartic acid.
Molecular consequence: missense variant. On other transcripts: intron variant (2).
Genome position (GRCh38, 1-based): chr5:83,520,010, G>C. VCF-style: chr5-83520010-G-C. GRCh37 (hg19) VCF-style: chr5-82815829-G-C.
Other names: c.1704G>C, p.Glu568Asp (NM_001164098.2); c.1042+7614G>C (NM_001164097.2, NM_001126336.3); short protein forms E568D.
Identifiers: ClinVar variation 3687237 (VCV003687237.2).

ClinVar aggregate classification (germline): Uncertain significance (1 of 4 stars; one submission).

gnomAD v4.1: 1 of 1,614,066 alleles (0.000062%); highest among the groups gnomAD compares: Non-Finnish European, 0.000085%; no homozygotes.

Submission:

Labcorp Genetics (formerly Invitae), Labcorp
Classification: Uncertain significance. Last evaluated: 2025-12-08. Review status: criteria provided, single submitter. Criteria: Invitae Variant Classification Sherloc (09022015). Collection method: clinical testing. Allele origin: germline.
Comment: This sequence change replaces glutamic acid, which is acidic and polar, with aspartic acid, which is acidic and polar, at codon 568 of the VCAN protein (p.Glu568Asp). This variant is present in population databases (no rsID available, gnomAD 0.0009%). This variant has not been reported in the literature in individuals affected with VCAN-related conditions. ClinVar contains an entry for this variant (Variation ID: 3687237). An algorithm developed to predict the effect of missense changes on protein structure and function (PolyPhen-2) suggests that this variant is likely to be tolerated. In summary, the available evidence is currently insufficient to determine the role of this variant in disease. Therefore, it has been classified as a Variant of Uncertain Significance.